The following is an entry in ClinVar:

ClinVar aggregate classification (germline): Uncertain significance. Review status: criteria provided, multiple submitters, no conflicts (2 of 4 stars). 3 submissions from 3 submitters: Uncertain significance (3). Last evaluated 2026-04-07.

Conditions:
Cardiovascular phenotype. Identifiers: MedGen CN230736.

Allele frequency attached by ClinVar (database versions not stated): gnomAD exomes 0.00002 and 0.00003; ExAC 0.00003; gnomAD 0.00003; TOPMed 0.00006.
gnomAD v4.1: 29 of 1,613,666 alleles (0.0018%); highest among the groups gnomAD compares: Admixed American, 0.0033%; no homozygotes.

Submissions (3):

Women's Health and Genetics/Laboratory Corporation of America, LabCorp
Classification: Uncertain significance. Last evaluated: 2026-04-07. Review status: criteria provided, single submitter. Criteria: LabCorp Variant Classification Summary - May 2015. Collection method: clinical testing. Allele origin: germline.
Comment: Variant summary: TNXB c.4297G>A (p.Gly1433Arg) results in a non-conservative amino acid change in the encoded protein sequence. Algorithms developed to predict the effect of missense changes on protein structure and function are either unavailable or do not agree on the potential impact of this missense change. The variant allele was found at a frequency of 2.8e-05 in 247938 control chromosomes. The available data on variant occurrences in the general population are insufficient to allow any conclusion about variant significance. To our knowledge, no occurrence of c.4297G>A in individuals affected with TNXB-related conditions and no experimental evidence demonstrating its impact on protein function have been reported. ClinVar contains an entry for this variant (Variation ID: 1305900). Based on the evidence outlined above, the variant was classified as uncertain significance.

GeneDx
Classification: Uncertain significance. Last evaluated: 2024-10-28. Review status: criteria provided, single submitter. Criteria: GeneDx Variant Classification Process June 2021. Collection method: clinical testing. Allele origin: germline. Affected: yes.
Comment: Has not been previously published as pathogenic or benign to our knowledge; In silico analysis supports that this missense variant has a deleterious effect on protein structure/function

Ambry Genetics
Classification: Uncertain significance for Cardiovascular phenotype. Last evaluated: 2024-03-19. Review status: criteria provided, single submitter. Criteria: Ambry Variant Classification Scheme 2023. Collection method: clinical testing. Allele origin: germline.

NM_001365276.2(TNXB):c.4297G>A (p.Gly1433Arg)

Gene: TNXB (tenascin XB; minus strand). Cytogenetic location: 6p21.33.
Variant type: single nucleotide variant.
Coding change: c.4297G>A on transcript NM_001365276.2 (MANE Select); coding-DNA position 4297, G replaced by A.
Protein change: p.Gly1433Arg; replaces glycine 1433 with arginine.
Molecular consequence: missense variant.
Genome position (GRCh38, 1-based): chr6:32,079,111, C>T on the plus strand (G>A on the coding strand, the complement: TNXB is on the minus strand). VCF-style: chr6-32079111-C-T. GRCh37 (hg19) VCF-style: chr6-32046888-C-T.
Other names: c.4297G>A, p.Gly1433Arg (NM_019105.8); short protein forms G1433R.
Identifiers: ClinVar variation 1305900 (VCV001305900.8), dbSNP rs755953436, ClinGen allele CA3734988.
Genomic context (GRCh38, chr6:32,079,111, plus strand): 5'-ACACCGGGCCCACGCGCTGCCCCTCGTGGAGGCCGTACAGGTGCATCTTGTACTTGTGCC[C>T]GGGCTCTAGGCCTCCCACGGTGACCTCACTCTCCTTGCCCCCAACACGCACCGCCCGGGG-3'
Protein context (NP_001352205.1, residues 1423-1443): SEVTVGGLEP[Gly1433Arg]HKYKMHLYGL